The following is an entry in ClinVar:

ClinVar aggregate classification (germline): Benign. Review status: criteria provided, multiple submitters, no conflicts (2 of 4 stars). 2 submissions from 2 submitters: Benign (2). Last evaluated 2018-06-15.

Allele frequency attached by ClinVar (database versions not stated): 1000 Genomes Project 0.45048; 1000 Genomes Project 30x 0.46299; TOPMed 0.58434; gnomAD exomes 0.58975; gnomAD 0.59880 and 0.61134.
gnomAD v4.1: 400,425 of 676,214 alleles (59%); highest among the groups gnomAD compares: Non-Finnish European, 67%; 125,074 homozygotes.

Submissions (2):

GeneDx
Classification: Benign. Last evaluated: 2018-06-15. Review status: criteria provided, single submitter. Criteria: GeneDx Variant Classification (06012015). Collection method: clinical testing. Allele origin: germline. Affected: yes.
Comment: This variant is considered likely benign or benign based on one or more of the following criteria: it is a conservative change, it occurs at a poorly conserved position in the protein, it is predicted to be benign by multiple in silico algorithms, and/or has population frequency not consistent with disease.

Breakthrough Genomics
Classification: Benign. Review status: criteria provided, single submitter. Criteria: ACMG Guidelines, 2015. Collection method: not provided. Allele origin: germline. Inheritance: Autosomal dominant inheritance. Affected: yes.

NM_001005242.3(PKP2):c.2358-170C>T

Gene: PKP2 (plakophilin 2; minus strand). Cytogenetic location: 12p11.21.
Variant type: single nucleotide variant.
Coding change: c.2358-170C>T on transcript NM_001005242.3 (MANE Select); 170 bases into the intron before coding-DNA position 2358, C replaced by T.
Molecular consequence: intron variant.
Genome position (GRCh38, 1-based): chr12:32,792,901, G>A on the plus strand (C>T on the coding strand, the complement: PKP2 is on the minus strand). VCF-style: chr12-32792901-G-A. GRCh37 (hg19) VCF-style: chr12-32945835-G-A.
Other names: c.2490-170C>T (NM_004572.4).
Identifiers: ClinVar variation 672157 (VCV000672157.2), dbSNP rs7957460, ClinGen allele CA13585694.